The following is an entry in ClinVar:

ClinVar aggregate classification (germline): Conflicting classifications of pathogenicity. Review status: criteria provided, conflicting classifications (1 of 4 stars). 2 submissions from 2 submitters: Uncertain significance (1); Likely benign (1). Last evaluated 2023-10-30.

Conditions:
Inborn genetic diseases. Identifiers: MedGen C0950123, MeSH D030342.
Primary ciliary dyskinesia 27. Also called: CILIARY DYSKINESIA, PRIMARY, 27, WITHOUT SITUS INVERSUS. Identifiers: Orphanet 244, MedGen C3809701, MONDO:0014215, OMIM 615504.

Allele frequency attached by ClinVar (database versions not stated): gnomAD exomes below 0.00001 and 0.00002; gnomAD 0.00001; TOPMed 0.00001.
gnomAD v4.1: 35 of 1,613,978 alleles (0.0022%); highest among the groups gnomAD compares: Non-Finnish European, 0.0029%; no homozygotes.

Submissions (2):

Ambry Genetics
Classification: Likely benign for Inborn genetic diseases. Last evaluated: 2023-10-30. Review status: criteria provided, single submitter. Criteria: Ambry Variant Classification Scheme 2023. Collection method: clinical testing. Allele origin: germline.

Labcorp Genetics (formerly Invitae), Labcorp
Classification: Uncertain significance for Primary ciliary dyskinesia 27. Last evaluated: 2021-09-01. Review status: criteria provided, single submitter. Criteria: Invitae Variant Classification Sherloc (09022015). Collection method: clinical testing. Allele origin: germline.
Comment: This sequence change replaces isoleucine with threonine at codon 399 of the CCDC65 protein (p.Ile399Thr). The isoleucine residue is weakly conserved and there is a moderate physicochemical difference between isoleucine and threonine. This variant is not present in population databases (ExAC no frequency). This variant has not been reported in the literature in individuals affected with CCDC65-related conditions. Algorithms developed to predict the effect of missense changes on protein structure and function output the following: SIFT: "Tolerated"; PolyPhen-2: "Benign"; Align-GVGD: "Class C0". The threonine amino acid residue is found in multiple mammalian species, which suggests that this missense change does not adversely affect protein function. Algorithms developed to predict the effect of sequence changes on RNA splicing suggest that this variant may create or strengthen a splice site. In summary, the available evidence is currently insufficient to determine the role of this variant in disease. Therefore, it has been classified as a Variant of Uncertain Significance.

NM_033124.5(DRC2):c.1196T>C (p.Ile399Thr)

Gene: DRC2 (dynein regulatory complex subunit 2; plus strand). Cytogenetic location: 12q13.12.
Variant type: single nucleotide variant.
Coding change: c.1196T>C on transcript NM_033124.5 (MANE Select); coding-DNA position 1196, T replaced by C.
Protein change: p.Ile399Thr; replaces isoleucine 399 with threonine.
Molecular consequence: missense variant.
Genome position (GRCh38, 1-based): chr12:48,921,184, T>C. VCF-style: chr12-48921184-T-C. GRCh37 (hg19) VCF-style: chr12-49314967-T-C.
Other names: c.767T>C, p.Ile256Thr (NM_001286957.2); short protein forms I399T, I256T.
Identifiers: ClinVar variation 575527 (VCV000575527.6), dbSNP rs890906368, ClinGen allele CA236605872.